The following is an entry in ClinVar:

NM_015046.7(SETX):c.7667G>T (p.Trp2556Leu)

Gene: SETX (senataxin; minus strand). Cytogenetic location: 9q34.13.
Variant type: single nucleotide variant.
Coding change: c.7667G>T on transcript NM_015046.7 (MANE Select); coding-DNA position 7667, G replaced by T.
Protein change: p.Trp2556Leu; replaces tryptophan 2556 with leucine.
Molecular consequence: missense variant.
Genome position (GRCh38, 1-based): chr9:132,264,606, C>A on the plus strand (G>T on the coding strand, the complement: SETX is on the minus strand). VCF-style: chr9-132264606-C-A. GRCh37 (hg19) VCF-style: chr9-135139993-C-A.
Other names: c.7667G>T, p.Trp2556Leu (NM_001351527.2); c.7754G>T, p.Trp2585Leu (NM_001351528.2); short protein forms W2585L, W2556L.
Identifiers: ClinVar variation 2937405 (VCV002937405.3), dbSNP rs2538820544, ClinGen allele CA375323854.

ClinVar aggregate classification (germline): Uncertain significance (1 of 4 stars; one submission).

Conditions:
Amyotrophic lateral sclerosis type 4 (ALS4). Also called: AMYOTROPHIC LATERAL SCLEROSIS 4, JUVENILE; NEURONOPATHY, DISTAL HEREDITARY MOTOR, WITH PYRAMIDAL FEATURES. Identifiers: Orphanet 357043, MedGen C1865409, MONDO:0011223, OMIM 602433.
Spinocerebellar ataxia, autosomal recessive, with axonal neuropathy 2 (SCAN2). Also called: Ataxia with Oculomotor Apraxia; ATAXIA-OCULOMOTOR APRAXIA 2; Ataxia-ocular apraxia-2; Ataxia with Oculomotor Apraxia Type 2. Identifiers: Orphanet 64753, MedGen C1853761, MONDO:0018996, OMIM 606002.

Submission:

Labcorp Genetics (formerly Invitae), Labcorp
Classification: Uncertain significance for Amyotrophic lateral sclerosis type 4; Spinocerebellar ataxia, autosomal recessive, with axonal neuropathy 2. Last evaluated: 2024-04-09. Review status: criteria provided, single submitter. Criteria: Invitae Variant Classification Sherloc (09022015). Collection method: clinical testing. Allele origin: germline.
Comment: This sequence change replaces tryptophan, which is neutral and slightly polar, with leucine, which is neutral and non-polar, at codon 2556 of the SETX protein (p.Trp2556Leu). This variant is not present in population databases (gnomAD no frequency). This variant has not been reported in the literature in individuals affected with SETX-related conditions. Advanced modeling of protein sequence and biophysical properties (such as structural, functional, and spatial information, amino acid conservation, physicochemical variation, residue mobility, and thermodynamic stability) performed at Invitae indicates that this missense variant is not expected to disrupt SETX protein function with a negative predictive value of 95%. In summary, the available evidence is currently insufficient to determine the role of this variant in disease. Therefore, it has been classified as a Variant of Uncertain Significance.